The following is an entry in ClinVar:

NM_000090.4(COL3A1):c.2282_2446-52del

Genes: COL3A1 (collagen type III alpha 1 chain; plus strand), LOC126806446 (P300/CBP strongly-dependent group 1 enhancer GRCh37_chr2:189866210-189867409; plus strand). Cytogenetic location: 2q32.2.
Variant type: Deletion.
Coding change: c.2282_2446-52del on transcript NM_000090.4 (MANE Select); coding-DNA position 2282 through 52 bases into the intron before coding-DNA position 2446, 3,010 bases deleted.
Molecular consequence: splice acceptor variant, splice donor variant.
Genome position (GRCh38, 1-based): chr2:188,999,894-189,002,903, 3,010 bases deleted. GRCh37 (hg19): chr2:189,864,620-189,867,629.
Identifiers: ClinVar variation 3063605 (VCV003063605.1), ClinGen allele CA2740096382.

ClinVar aggregate classification (germline): Pathogenic (1 of 4 stars; one submission).

Conditions:
Familial aortopathy. Identifiers: MedGen CN078214.

Submission:

Women's Health and Genetics/Laboratory Corporation of America, LabCorp
Classification: Pathogenic for Familial aortopathy. Last evaluated: 2024-01-22. Review status: criteria provided, single submitter. Criteria: LabCorp Variant Classification Summary - May 2015. Collection method: clinical testing. Allele origin: germline.
Comment: Variant summary: The variant involves the deletion of the last 2 nucleotides of exon 32, together with (intron32 and) the full deletion of exons 33-35 of the COL3A1 gene. Since this Copy Number Variant (CNV) directly removes a large part of the protein, and also involves a partial deletion of exon 32 spanning a canonical splice-site, therefore is predicted to result in loss-of-function. A presumed nomenclature of c.2282_2446-52del3010 has been designated for the purposes of this classification. The variant was absent in ~120,000 control chromosomes in the gnomAD database (Structural Variants dataset 4.0). To our knowledge, no occurrence of c.2282_2446-52del3010 in individuals affected with Aortopathy and no experimental evidence demonstrating its impact on protein function have been reported. No submitters have cited clinical-significance assessments for this variant to ClinVar. Based on the evidence outlined above, the variant was classified as pathogenic.